The following is an entry in ClinVar:

ClinVar aggregate classification (germline): Likely benign (1 of 4 stars; one submission).

Allele frequency attached by ClinVar (database versions not stated): 1000 Genomes Project 0.00280; 1000 Genomes Project 30x 0.00328; gnomAD 0.00421; ExAC 0.00467; gnomAD exomes 0.00490; ESP Exome Variant Server 0.00516; TOPMed 0.00548.

Submission:

CeGaT Center for Human Genetics Tuebingen
Classification: Likely benign. Last evaluated: 2023-07-01. Review status: criteria provided, single submitter. Criteria: CeGaT Center For Human Genetics Tuebingen Variant Classification Criteria Version 2. Collection method: clinical testing. Allele origin: germline. Affected: yes. Observed: 2 variant alleles.
Comment: KIF19: BP4, BP7, BS2

NM_153209.4(KIF19):c.2244C>T (p.Gly748=)

Gene: KIF19 (kinesin family member 19; plus strand). Cytogenetic location: 17q25.1.
Variant type: single nucleotide variant.
Coding change: c.2244C>T on transcript NM_153209.4 (MANE Select); coding-DNA position 2244, C replaced by T.
Protein change: p.Gly748=; no amino-acid change (glycine 748 retained).
Molecular consequence: synonymous variant.
Genome position (GRCh38, 1-based): chr17:74,353,517, C>T. VCF-style: chr17-74353517-C-T. GRCh37 (hg19) VCF-style: chr17-72349656-C-T.
Identifiers: ClinVar variation 2648194 (VCV002648194.24), dbSNP rs72852210, ClinGen allele CA8746769.
Genomic context (GRCh38, chr17:74,353,517, plus strand): 5'-TTAAGGGTTTCCTCCTCCCAACCACTCCACCCCACAGGCCCCGGCTCAGGACAGCCTGGG[C>T]AGCTGGATCAACTCTTCCCCTGACAGCAGTGAGAACCTGTCGGAGATCCCCTTGTCCCAC-3'
Protein context (NP_694941.2, residues 738-758): TQEAPAQDSL[Gly748=]SWINSSPDSS